The following is an entry in ClinVar:

ClinVar aggregate classification (germline): Pathogenic (1 of 4 stars; one submission).

Conditions:
Oligodontia-cancer predisposition syndrome. Also called: TOOTH AGENESIS-COLORECTAL CANCER SYNDROME. Identifiers: Orphanet 300576, MedGen C1837750, MONDO:0012075, OMIM 608615. Disease mechanism: loss of function.

Submission:

Labcorp Genetics (formerly Invitae), Labcorp
Classification: Pathogenic for Oligodontia-cancer predisposition syndrome. Last evaluated: 2025-06-08. Review status: criteria provided, single submitter. Criteria: Invitae Variant Classification Sherloc (09022015). Collection method: clinical testing. Allele origin: germline.
Comment: This sequence change creates a premature translational stop signal (p.Leu646Trpfs*43) in the AXIN2 gene. It is expected to result in an absent or disrupted protein product. Loss-of-function variants in AXIN2 are known to be pathogenic (PMID: 15042511, 21416598). This variant is not present in population databases (gnomAD no frequency). This variant has not been reported in the literature in individuals affected with AXIN2-related conditions. For these reasons, this variant has been classified as Pathogenic.

Literature cited by the submitters: PubMed 15042511; PubMed 21416598.

NM_004655.4(AXIN2):c.1935del (p.Leu646fs)

Gene: AXIN2 (axin 2; minus strand). Cytogenetic location: 17q24.1.
Variant type: Deletion.
Coding change: c.1935del on transcript NM_004655.4 (MANE Select); coding-DNA position 1935, one base deleted (C; older notation c.1935delC).
Protein change: p.Leu646fs; shifts the reading frame from leucine 646.
Molecular consequence: frameshift variant.
Genome position (GRCh38, 1-based): chr17:65,536,526, G deleted on the plus strand (C on the coding strand, the reverse complement: AXIN2 is on the minus strand); the first of 4 consecutive G bases (chr17:65,536,526-65,536,529); deleting any one gives the same sequence. VCF-style (leftmost placement, unchanged base first): chr17-65536525-AG-A. GRCh37 (hg19) VCF-style: chr17-63532643-AG-A.
Other names: c.1740del, p.Leu581fs (NM_001363813.1); short protein forms L581fs, L646fs.
Identifiers: ClinVar variation 4720957 (VCV004720957.1).